The following is an entry in ClinVar:

ClinVar aggregate classification (germline): Uncertain significance (1 of 4 stars; one submission).

Submission:

CeGaT Center for Human Genetics Tuebingen
Classification: Uncertain significance. Last evaluated: 2022-07-01. Review status: criteria provided, single submitter. Criteria: CeGaT Center For Human Genetics Tuebingen Variant Classification Criteria Version 2. Collection method: clinical testing. Allele origin: germline. Affected: yes. Observed: 1 variant allele.
Comment: NEDD4L: PM2:Supporting, BP4

NM_001144967.3(NEDD4L):c.1437C>G (p.Ser479=)

Gene: NEDD4L (NEDD4 like E3 ubiquitin protein ligase; plus strand). Cytogenetic location: 18q21.31.
Variant type: single nucleotide variant.
Coding change: c.1437C>G on transcript NM_001144967.3 (MANE Select); coding-DNA position 1437, C replaced by G.
Protein change: p.Ser479=; no amino-acid change (serine 479 retained).
Molecular consequence: synonymous variant.
Genome position (GRCh38, 1-based): chr18:58,342,965, C>G. VCF-style: chr18-58342965-C-G. GRCh37 (hg19) VCF-style: chr18-56010197-C-G.
Other names: c.1074C>G, p.Ser358= (NM_001144964.1, NM_001144965.2, NM_001144966.3); c.1413C>G, p.Ser471= (NM_001144968.2); c.1353C>G, p.Ser451= (NM_001144969.2); c.1014C>G, p.Ser338= (NM_001144970.3, NM_001144971.2); c.1245C>G, p.Ser415= (NM_001243960.2); c.1377C>G, p.Ser459= (NM_015277.6).
Identifiers: ClinVar variation 1701343 (VCV001701343.31), dbSNP rs1423153631, ClinGen allele CA504016109.